The following is an entry in ClinVar:

NM_177438.3(DICER1):c.3094-9T>A

Gene: DICER1 (dicer 1, ribonuclease III; minus strand). Cytogenetic location: 14q32.13.
Variant type: single nucleotide variant.
Coding change: c.3094-9T>A on transcript NM_177438.3 (MANE Select); 9 bases into the intron before coding-DNA position 3094, T replaced by A.
Molecular consequence: intron variant.
Genome position (GRCh38, 1-based): chr14:95,105,255, A>T on the plus strand (T>A on the coding strand, the complement: DICER1 is on the minus strand). VCF-style: chr14-95105255-A-T. GRCh37 (hg19) VCF-style: chr14-95571592-A-T.
Other names: c.3094-9T>A (NM_001395695.1, NM_001395692.1, NM_001395684.1 and 12 more transcripts); c.2689-9T>A (NM_001395688.1, NM_001395696.1, NM_001395690.1 and 2 more transcripts); c.1411-9T>A (NM_001395697.1); c.2812-9T>A (NM_001395686.1); c.2527-9T>A (NM_001395691.1).
Identifiers: ClinVar variation 2766339 (VCV002766339.3), dbSNP rs2542758410, ClinGen allele CA2697554170.

ClinVar aggregate classification (germline): Uncertain significance (1 of 4 stars; one submission).

Conditions:
DICER1-related tumor predisposition. Also called: DICER1-related pleuropulmonary blastoma cancer predisposition syndrome; DICER1 syndrome. Identifiers: Orphanet 284343, MedGen C3839822, MONDO:0100216.

Submission:

Labcorp Genetics (formerly Invitae), Labcorp
Classification: Uncertain significance for DICER1-related tumor predisposition. Last evaluated: 2023-10-06. Review status: criteria provided, single submitter. Criteria: Invitae Variant Classification Sherloc (09022015). Collection method: clinical testing. Allele origin: germline.
Comment: This sequence change falls in intron 19 of the DICER1 gene. It does not directly change the encoded amino acid sequence of the DICER1 protein. This variant is not present in population databases (gnomAD no frequency). This variant has not been reported in the literature in individuals affected with DICER1-related conditions. Algorithms developed to predict the effect of sequence changes on RNA splicing suggest that this variant may create or strengthen a splice site. In summary, the available evidence is currently insufficient to determine the role of this variant in disease. Therefore, it has been classified as a Variant of Uncertain Significance.